The following is an entry in ClinVar:

ClinVar aggregate classification (germline): Pathogenic. Review status: criteria provided, multiple submitters, no conflicts (2 of 4 stars). 2 submissions from 2 submitters: Pathogenic (2). Last evaluated 2022-06-01.

Conditions:
Intellectual developmental disorder, X-linked, syndromic, Claes-Jensen type. Also called: INTELLECTUAL DEVELOPMENTAL DISORDER, X-LINKED, SYNDROMIC 16; MENTAL RETARDATION, X-LINKED, SYNDROMIC 16; Syndromic X-linked intellectual disability Claes-Jensen type. Identifiers: Orphanet 85279, MedGen C1845243, MONDO:0010355, OMIM 300534.

Submissions (2):

CeGaT Center for Human Genetics Tuebingen
Classification: Pathogenic. Last evaluated: 2022-06-01. Review status: criteria provided, single submitter. Criteria: CeGaT Center For Human Genetics Tuebingen Variant Classification Criteria Version 2. Collection method: clinical testing. Allele origin: germline. Affected: yes. Observed: 1 variant allele.
Comment: KDM5C: PVS1, PM2

MVZ Martinsried, Medicover Genetics
Classification: Pathogenic for Intellectual developmental disorder, X-linked, syndromic, Claes-Jensen type. Last evaluated: 2017-12-20. Review status: criteria provided, single submitter. Criteria: ACMG Guidelines, 2015. Collection method: research. Allele origin: de novo. Affected: yes.

NM_004187.5(KDM5C):c.595C>T (p.Gln199Ter)

Gene: KDM5C (lysine demethylase 5C; minus strand). Cytogenetic location: Xp11.22.
Variant type: single nucleotide variant.
Coding change: c.595C>T on transcript NM_004187.5 (MANE Select); coding-DNA position 595, C replaced by T.
Protein change: p.Gln199Ter; replaces glutamine 199 with a stop codon.
Molecular consequence: nonsense. On other transcripts: non-coding transcript variant (3).
Genome position (GRCh38, 1-based): chrX:53,217,205, G>A on the plus strand (C>T on the coding strand, the complement: KDM5C is on the minus strand). VCF-style: chrX-53217205-G-A. GRCh37 (hg19) VCF-style: chrX-53246387-G-A.
Other names: c.394C>T, p.Gln132Ter (NM_001146702.2); c.592C>T, p.Gln198Ter (NM_001282622.3, NM_001353979.2, NM_001353982.2); c.595C>T, p.Gln199Ter (NM_001353978.3, NM_001353981.2, NM_001353984.2); short protein forms Q199*, Q132*, Q198*.
Identifiers: ClinVar variation 520414 (VCV000520414.43), dbSNP rs1556852362, ClinGen allele CA413133788.
Genomic context (GRCh38, chrX:53,217,205, plus strand): 5'-CAGGCTGCAGTCTCTTGGCCCGCCGGCCATAGCTGTTGAACTTGGAAGGCTGCACAGACT[G>A]TCGTAGGGGGATGCTGTGGGGTTTGTATTCCTTGTCCTTCTCCTCATTATCAAATGGACG-3'